The following is an entry in ClinVar:

ClinVar aggregate classification (germline): Benign. Review status: criteria provided, multiple submitters, no conflicts (2 of 4 stars). 3 submissions from 3 submitters: Benign (2). 1 of the submissions does not count toward it. Last evaluated 2025-02-16.

Conditions:
Familial cancer of breast. Also called: BREAST CANCER, FAMILIAL; Hereditary breast cancer; hereditary breast carcinoma. Identifiers: Orphanet 227535, MedGen C0346153, MONDO:0016419, OMIM 114480. Disease mechanism: loss of function.

Submissions (3):

Laboratory of Genetics, Children's Clinical University Hospital Latvia
Classification: Benign. Last evaluated: 2025-02-16. Review status: criteria provided, single submitter. Criteria: ACMG Guidelines, 2015. Collection method: clinical testing. Allele origin: germline. Affected: yes.

Ophthalmic Genetics Group, Institute of Molecular and Clinical Ophthalmology Basel
Classification: Benign for Familial cancer of breast. Last evaluated: 2023-08-29. Review status: criteria provided, single submitter. Criteria: ACMG Guidelines, 2015. Collection method: curation. Allele origin: unknown.
Comment: Clinical significance based on ACMG v2.0

This variant was classified as Benign based on ACMG criteria: BA1.

Department of Zoology Govt. MVM College
Classification: Likely pathogenic for Familial cancer of breast. Review status: no assertion criteria provided. Collection method: not provided. Allele origin: unknown. Not counted in ClinVar's aggregate classification.
Comment: Our Seq: KM077021
ClinVar note: Converted during submission from probable-pathogenic to Likely pathogenic.

NC_012920.1(MT-CYB):m.15301G>A

Genes: MT-CYB (mitochondrially encoded cytochrome b; plus strand), MT-TT (mitochondrially encoded tRNA threonine; plus strand).
Variant type: single nucleotide variant.
Genome position: chrM-15301-G-A.
Identifiers: ClinVar variation 140591 (VCV000140591.5), dbSNP rs193302991, ClinGen allele CA345706.